The following is an entry in ClinVar:

NM_001166108.2(PALLD):c.1114G>A (p.Glu372Lys)

Gene: PALLD (palladin, cytoskeletal associated protein; plus strand). Cytogenetic location: 4q32.3.
Variant type: single nucleotide variant.
Coding change: c.1114G>A on transcript NM_001166108.2 (MANE Select); coding-DNA position 1114, G replaced by A.
Protein change: p.Glu372Lys; replaces glutamic acid 372 with lysine.
Molecular consequence: missense variant. On other transcripts: 5 prime UTR variant (1).
Genome position (GRCh38, 1-based): chr4:168,681,358, G>A. VCF-style: chr4-168681358-G-A. GRCh37 (hg19) VCF-style: chr4-169602509-G-A.
Other names: c.-33G>A (NM_001166109.2); c.1114G>A, p.Glu372Lys (NM_016081.4); short protein forms E372K.
Identifiers: ClinVar variation 1795940 (VCV001795940.3), dbSNP rs1266751509, ClinGen allele CA358794035.

ClinVar aggregate classification (germline): Uncertain significance (1 of 4 stars; one submission).

Allele frequency attached by ClinVar (database versions not stated): gnomAD exomes below 0.00001; TOPMed below 0.00001.
gnomAD v4.1: 1 of 1,609,384 alleles (0.000062%); highest among the groups gnomAD compares: African/African-American, 0.0013%; no homozygotes.

Submission:

Ambry Genetics
Classification: Uncertain significance. Last evaluated: 2024-09-12. Review status: criteria provided, single submitter. Criteria: Ambry Variant Classification Scheme 2023. Collection method: clinical testing. Allele origin: germline.
Comment: The p.E372K variant (also known as c.1114G>A), located in coding exon 3 of the PALLD gene, results from a G to A substitution at nucleotide position 1114. The glutamic acid at codon 372 is replaced by lysine, an amino acid with similar properties. This amino acid position is conserved. In addition, the in silico prediction for this alteration is inconclusive. Since supporting evidence is limited at this time, the clinical significance of this alteration remains unclear.